The following is an entry in ClinVar:

NM_004360.5(CDH1):c.2104G>T (p.Glu702Ter)

Gene: CDH1 (cadherin 1; plus strand). Cytogenetic location: 16q22.1.
Variant type: single nucleotide variant.
Coding change: c.2104G>T on transcript NM_004360.5 (MANE Select); coding-DNA position 2104, G replaced by T.
Protein change: p.Glu702Ter; replaces glutamic acid 702 with a stop codon.
Molecular consequence: nonsense.
Genome position (GRCh38, 1-based): chr16:68,823,566, G>T. VCF-style: chr16-68823566-G-T. GRCh37 (hg19) VCF-style: chr16-68857469-G-T.
Other names: c.2104G>T (LRG_301t1); c.1921G>T, p.Glu641Ter (NM_001317184.2); c.556G>T, p.Glu186Ter (NM_001317185.2); c.139G>T, p.Glu47Ter (NM_001317186.2); short protein forms E702*, E47*, E641*, E186*.
Identifiers: ClinVar variation 463743 (VCV000463743.13), dbSNP rs149127230, ClinGen allele CA396467856.
Genomic context (GRCh38, chr16:68,823,566, plus strand): 5'-GAGGTCAGCGTGTGTGACTGTGAAGGGGCCGCTGGCGTCTGTAGGAAGGCACAGCCTGTC[G>T]AAGCAGGATTGCAAATTCCTGCCATTCTGGGGATTCTTGGAGGAATTCTTGCTTTGCTAA-3'

ClinVar aggregate classification (germline): Pathogenic. Review status: reviewed by expert panel (3 of 4 stars). 3 submissions from 3 submitters: Pathogenic (1). 2 of the submissions do not count toward it. Last evaluated 2023-08-04.

Conditions:
CDH1-related diffuse gastric and lobular breast cancer syndrome. Also called: CDH1-related diffuse gastric and lobular breast cancer. Identifiers: MedGen CN311521, MONDO:0100488.
Hereditary cancer-predisposing syndrome. Also called: Hereditary neoplastic syndrome; Neoplastic Syndromes, Hereditary; Tumor predisposition; Hereditary Cancer Syndrome. Identifiers: Orphanet 140162, MedGen C0027672, MeSH D009386, MONDO:0015356.
Hereditary diffuse gastric adenocarcinoma (HDGC). Also called: DIFFUSE GASTRIC AND LOBULAR BREAST CANCER SYNDROME. Identifiers: Orphanet 26106, MedGen C1708349, MONDO:0007648, OMIM 137215.

Submissions (3):

Clingen Gastric Cancer Variant Curation Expert Panel
Classification: Pathogenic for CDH1-related diffuse gastric and lobular breast cancer syndrome. Last evaluated: 2023-08-04. Review status: reviewed by expert panel. Criteria: ClinGen CDH1 ACMG Specifications V3.1. Collection method: curation. Allele origin: germline. Inheritance: Autosomal dominant inheritance.
Comment: The c.2104G>T (p.Glu702Ter) variant is predicted to result in a premature stop codon that leads to nonsense mediate decay (PVS1 and PM5_supporting). The variant is absent in the gnomAD cohort (PM2_supporting). Therefore, this variant meets criteria to be classified as pathogenic based on the ACMG/AMP criteria applied as specified by the CDH1 Variant Curation Expert Panel (CDH1 VCEP specifications version 3.1): PVS1, PM2_supporting, PM5_supporting.

Labcorp Genetics (formerly Invitae), Labcorp
Classification: Pathogenic for Hereditary diffuse gastric adenocarcinoma. Last evaluated: 2025-01-29. Review status: criteria provided, single submitter. Criteria: Invitae Variant Classification Sherloc (09022015). Collection method: clinical testing. Allele origin: germline. Not counted in ClinVar's aggregate classification.
Comment: This sequence change creates a premature translational stop signal (p.Glu702*) in the CDH1 gene. It is expected to result in an absent or disrupted protein product. Loss-of-function variants in CDH1 are known to be pathogenic (PMID: 15235021, 20373070). This variant is not present in population databases (gnomAD no frequency). This variant has not been reported in the literature in individuals affected with CDH1-related conditions. ClinVar contains an entry for this variant (Variation ID: 463743). Algorithms developed to predict the effect of sequence changes on RNA splicing suggest that this variant may disrupt the consensus splice site. For these reasons, this variant has been classified as Pathogenic.

Ambry Genetics
Classification: Pathogenic for Hereditary cancer-predisposing syndrome. Last evaluated: 2021-03-17. Review status: criteria provided, single submitter. Criteria: Ambry Variant Classification Scheme 2023. Collection method: clinical testing. Allele origin: germline. Not counted in ClinVar's aggregate classification.
Comment: The p.E702* pathogenic mutation (also known as c.2104G>T), located in coding exon 13 of the CDH1 gene, results from a G to T substitution at nucleotide position 2104. This changes the amino acid from a glutamic acid to a stop codon within coding exon 13. This alteration is expected to result in loss of function by premature protein truncation or nonsense-mediated mRNA decay. As such, this alteration is interpreted as a disease-causing mutation.

Literature cited by the submitters: PubMed 15235021 (cited by Labcorp Genetics (formerly Invitae), Labcorp); PubMed 20373070 (cited by Labcorp Genetics (formerly Invitae), Labcorp).